The following is an entry in ClinVar:

ClinVar aggregate classification (germline): Uncertain significance. Review status: criteria provided, multiple submitters, no conflicts (2 of 4 stars). 2 submissions from 2 submitters: Uncertain significance (2). Last evaluated 2026-03-28.

Conditions:
BICD2-related disorder. Also called: BICD2-related condition.
Autosomal dominant childhood-onset proximal spinal muscular atrophy with contractures (SMALED2A). Also called: Spinal muscular atrophy, lower extremity-predominant, 2A, autosomal dominant; SPINAL MUSCULAR ATROPHY, LOWER EXTREMITY-PREDOMINANT, 2A, CHILDHOOD ONSET, AUTOSOMAL DOMINANT. Identifiers: Orphanet 363447, Orphanet 363454, MedGen C4747715, MONDO:0014121, OMIM 615290.

Allele frequency attached by ClinVar (database versions not stated): gnomAD exomes 0.00001.
gnomAD v4.1: 7 of 1,613,566 alleles (0.00043%); highest among the groups gnomAD compares: Non-Finnish European, 0.00059%; no homozygotes.

Submissions (2):

PreventionGenetics, part of Exact Sciences
Classification: Uncertain significance for BICD2-related condition. Last evaluated: 2026-03-28. Review status: criteria provided, single submitter. Criteria: ACMG Guidelines, 2015. Collection method: clinical testing. Allele origin: germline.
Comment: The BICD2 c.2161A>G variant is predicted to result in the amino acid substitution p.Met721Val. To our knowledge, this variant has not been reported in the literature. This variant is reported in 0.00088% of alleles in individuals of European (non-Finnish) descent in gnomAD. At this time, the clinical significance of this variant is uncertain due to the absence of conclusive functional and genetic evidence.

Labcorp Genetics (formerly Invitae), Labcorp
Classification: Uncertain significance for Autosomal dominant childhood-onset proximal spinal muscular atrophy with contractures. Last evaluated: 2026-01-19. Review status: criteria provided, single submitter. Criteria: Invitae Variant Classification Sherloc (09022015). Collection method: clinical testing. Allele origin: germline.
Comment: This sequence change replaces methionine, which is neutral and non-polar, with valine, which is neutral and non-polar, at codon 721 of the BICD2 protein (p.Met721Val). This variant is present in population databases (no rsID available, gnomAD 0.0009%). This variant has not been reported in the literature in individuals affected with BICD2-related conditions. ClinVar contains an entry for this variant (Variation ID: 2917972). Invitae Evidence Modeling of protein sequence and biophysical properties (such as structural, functional, and spatial information, amino acid conservation, physicochemical variation, residue mobility, and thermodynamic stability) indicates that this missense variant is not expected to disrupt BICD2 protein function with a negative predictive value of 80%. In summary, the available evidence is currently insufficient to determine the role of this variant in disease. Therefore, it has been classified as a Variant of Uncertain Significance.

NM_001003800.2(BICD2):c.2161A>G (p.Met721Val)

Gene: BICD2 (BICD cargo adaptor 2; minus strand). Cytogenetic location: 9q22.31.
Variant type: single nucleotide variant.
Coding change: c.2161A>G on transcript NM_001003800.2 (MANE Select); coding-DNA position 2161, A replaced by G.
Protein change: p.Met721Val; replaces methionine 721 with valine.
Molecular consequence: missense variant.
Genome position (GRCh38, 1-based): chr9:92,717,894, T>C on the plus strand (A>G on the coding strand, the complement: BICD2 is on the minus strand). VCF-style: chr9-92717894-T-C. GRCh37 (hg19) VCF-style: chr9-95480176-T-C.
Other names: c.2161A>G, p.Met721Val (NM_015250.4); c.2161A>G (NM_001003800.1); short protein forms M721V.
Identifiers: ClinVar variation 2917972 (VCV002917972.4), dbSNP rs1262410586, ClinGen allele CA374032845.
Genomic context (GRCh38, chr9:92,717,894, plus strand): 5'-CTGCGTCCTCCTTGAGGGCCTTGAGCTCATTGCGCAGCTTCATCATGGTCTCGGTAACCA[T>C]GGCCTTCTCATTCTCATACTTGCTCTTCAGGTTGGCAAGGGCCACCTCGGCCGTCTGGGG-3'
Protein context (NP_001003800.1, residues 711-731): LKSKYENEKA[Met721Val]VTETMMKLRN